The following is an entry in ClinVar:

ClinVar aggregate classification (germline): Uncertain significance (1 of 4 stars; one submission).

gnomAD v4.1: 4 of 1,571,928 alleles (0.00025%); highest among the groups gnomAD compares: Non-Finnish European, 0.00035%; no homozygotes.

Submission:

Labcorp Genetics (formerly Invitae), Labcorp
Classification: Uncertain significance. Last evaluated: 2024-05-10. Review status: criteria provided, single submitter. Criteria: Invitae Variant Classification Sherloc (09022015). Collection method: clinical testing. Allele origin: germline.
Comment: This sequence change replaces threonine, which is neutral and polar, with alanine, which is neutral and non-polar, at codon 984 of the AHDC1 protein (p.Thr984Ala). This variant is present in population databases (rs759587788, gnomAD 0.001%). This variant has not been reported in the literature in individuals affected with AHDC1-related conditions. Algorithms developed to predict the effect of missense changes on protein structure and function output the following: SIFT: "Not Available"; PolyPhen-2: "Benign"; Align-GVGD: "Not Available". The alanine amino acid residue is found in multiple mammalian species, which suggests that this missense change does not adversely affect protein function. In summary, the available evidence is currently insufficient to determine the role of this variant in disease. Therefore, it has been classified as a Variant of Uncertain Significance.

NM_001371928.1(AHDC1):c.2950A>G (p.Thr984Ala)

Gene: AHDC1 (AT-hook DNA binding motif containing 1; minus strand). Cytogenetic location: 1p36.11.
Variant type: single nucleotide variant.
Coding change: c.2950A>G on transcript NM_001371928.1 (MANE Select); coding-DNA position 2950, A replaced by G.
Protein change: p.Thr984Ala; replaces threonine 984 with alanine.
Molecular consequence: missense variant.
Genome position (GRCh38, 1-based): chr1:27,549,166, T>C on the plus strand (A>G on the coding strand, the complement: AHDC1 is on the minus strand). VCF-style: chr1-27549166-T-C. GRCh37 (hg19) VCF-style: chr1-27875677-T-C.
Other names: c.2950A>G, p.Thr984Ala (NM_001029882.3); short protein forms T984A.
Identifiers: ClinVar variation 3691249 (VCV003691249.2).